The following is an entry in ClinVar:

NM_014159.7(SETD2):c.1898T>G (p.Leu633Trp)

Gene: SETD2 (SET domain containing 2, histone lysine methyltransferase; minus strand). Cytogenetic location: 3p21.31.
Variant type: single nucleotide variant.
Coding change: c.1898T>G on transcript NM_014159.7 (MANE Select); coding-DNA position 1898, T replaced by G.
Protein change: p.Leu633Trp; replaces leucine 633 with tryptophan.
Molecular consequence: missense variant. On other transcripts: non-coding transcript variant (1).
Genome position (GRCh38, 1-based): chr3:47,122,738, A>C on the plus strand (T>G on the coding strand, the complement: SETD2 is on the minus strand). VCF-style: chr3-47122738-A-C. GRCh37 (hg19) VCF-style: chr3-47164228-A-C.
Other names: c.1766T>G, p.Leu589Trp (NM_001349370.3); short protein forms L589W, L633W.
Identifiers: ClinVar variation 2141250 (VCV002141250.4), dbSNP rs2106686089, ClinGen allele CA352528447.
Genomic context (GRCh38, chr3:47,122,738, plus strand): 5'-TCTAATTCCTTAATACTATCATGGCTATCATGTGTTATAAATTCGGACTTAAAAATAGGC[A>C]ATTCATCTAGCTTTTTTAAAGTAGGTGAATCATTTAATCGATTTGATGGAGCTGGAGACC-3'
Protein context (NP_054878.5, residues 623-643): DSPTLKKLDE[Leu633Trp]PIFKSEFITH

ClinVar aggregate classification (germline): Uncertain significance (1 of 4 stars; one submission).

Conditions:
Luscan-Lumish syndrome. Identifiers: Orphanet 597738, MedGen C4085873, MONDO:0014791, OMIM 616831.

Allele frequency attached by ClinVar (database versions not stated): gnomAD exomes below 0.00001.
gnomAD v4.1: 2 of 1,610,926 alleles (0.00012%); highest among the groups gnomAD compares: Admixed American, 0.0034%; no homozygotes.

Submission:

Labcorp Genetics (formerly Invitae), Labcorp
Classification: Uncertain significance for Luscan-Lumish syndrome. Last evaluated: 2022-07-08. Review status: criteria provided, single submitter. Criteria: Invitae Variant Classification Sherloc (09022015). Collection method: clinical testing. Allele origin: germline.
Comment: In summary, the available evidence is currently insufficient to determine the role of this variant in disease. Therefore, it has been classified as a Variant of Uncertain Significance. Algorithms developed to predict the effect of missense changes on protein structure and function (SIFT, PolyPhen-2, Align-GVGD) all suggest that this variant is likely to be tolerated. This variant has not been reported in the literature in individuals affected with SETD2-related conditions. This variant is not present in population databases (gnomAD no frequency). This sequence change replaces leucine, which is neutral and non-polar, with tryptophan, which is neutral and slightly polar, at codon 633 of the SETD2 protein (p.Leu633Trp).